The following is an entry in ClinVar:

NM_007118.4(TRIO):c.8157G>A (p.Lys2719=)

Genes: TRIO (trio Rho guanine nucleotide exchange factor; plus strand), LOC126807323 (CDK7 strongly-dependent group 2 enhancer GRCh37_chr5:14497716-14498915; plus strand). Cytogenetic location: 5p15.2.
Variant type: single nucleotide variant.
Coding change: c.8157G>A on transcript NM_007118.4 (MANE Select); coding-DNA position 8157, G replaced by A.
Protein change: p.Lys2719=; no amino-acid change (lysine 2719 retained).
Molecular consequence: synonymous variant. On other transcripts: non-coding transcript variant (1).
Genome position (GRCh38, 1-based): chr5:14,498,198, G>A. VCF-style: chr5-14498198-G-A. GRCh37 (hg19) VCF-style: chr5-14498307-G-A.
Identifiers: ClinVar variation 4823409 (VCV004823409.4).
Genomic context (GRCh38, chr5:14,498,198, plus strand): 5'-GGAGACCGTTGTTCTTAGATGTCGAGTCTGTGGCCGCCCCAAAGCCTCAATTACCTGGAA[G>A]GGCCCTGAACACAACACCTTGAACAACGATGGTCACTACAGCATCTCCTACAGGTGAGGG-3'
Protein context (NP_009049.2, residues 2709-2729): CGRPKASITW[Lys2719=]GPEHNTLNND

ClinVar aggregate classification (germline): Likely benign (1 of 4 stars; one submission).

gnomAD v4.1: 3 of 1,614,212 alleles (0.00019%); highest among the groups gnomAD compares: East Asian, 0.0067%; no homozygotes.

Submission:

CeGaT Center for Human Genetics Tuebingen
Classification: Likely benign. Last evaluated: 2026-02-01. Review status: criteria provided, single submitter. Criteria: CeGaT Center For Human Genetics Tuebingen Variant Classification Criteria Version 2. Collection method: clinical testing. Allele origin: germline. Affected: yes. Observed: 1 variant allele.
Comment: TRIO: BP4, BP7